The following is an entry in ClinVar:

ClinVar aggregate classification (germline): Likely benign (1 of 4 stars; one submission).

Submission:

GeneDx
Classification: Likely benign. Last evaluated: 2018-05-25. Review status: criteria provided, single submitter. Criteria: GeneDx Variant Classification (06012015). Collection method: clinical testing. Allele origin: germline. Affected: yes.
Comment: This variant is considered likely benign or benign based on one or more of the following criteria: it is a conservative change, it occurs at a poorly conserved position in the protein, it is predicted to be benign by multiple in silico algorithms, and/or has population frequency not consistent with disease.

NM_012335.4(MYO1F):c.1524+9C>A

Gene: MYO1F (myosin IF; minus strand). Cytogenetic location: 19p13.2.
Variant type: single nucleotide variant.
Coding change: c.1524+9C>A on transcript NM_012335.4 (MANE Select); 9 bases into the intron after coding-DNA position 1524, C replaced by A.
Molecular consequence: intron variant.
Genome position (GRCh38, 1-based): chr19:8,544,288, G>T on the plus strand (C>A on the coding strand, the complement: MYO1F is on the minus strand). VCF-style: chr19-8544288-G-T. GRCh37 (hg19) VCF-style: chr19-8609172-G-T.
Other names: c.1512+9C>A (NM_001348355.2).
Identifiers: ClinVar variation 668425 (VCV000668425.1), dbSNP rs1599958655, ClinGen allele CA915951684.